The following is an entry in ClinVar:

ClinVar aggregate classification (germline): Uncertain significance (1 of 4 stars; one submission).

Conditions:
Epilepsy, X-linked 1, with variable learning disabilities and behavior disorders. Also called: X-linked epilepsy-learning disabilities-behavior disorders syndrome. Identifiers: Orphanet 85294, MedGen C5774177, MONDO:0010339, OMIM 300491.

Submission:

Labcorp Genetics (formerly Invitae), Labcorp
Classification: Uncertain significance for Epilepsy, X-linked 1, with variable learning disabilities and behavior disorders. Last evaluated: 2025-04-07. Review status: criteria provided, single submitter. Criteria: Invitae Variant Classification Sherloc (09022015). Collection method: clinical testing. Allele origin: germline.
Comment: This sequence change replaces arginine, which is basic and polar, with glycine, which is neutral and non-polar, at codon 5 of the SYN1 protein (p.Arg5Gly). This variant is not present in population databases (gnomAD no frequency). This variant has not been reported in the literature in individuals affected with SYN1-related conditions. An algorithm developed to predict the effect of missense changes on protein structure and function (PolyPhen-2) suggests that this variant is likely to be disruptive. In summary, the available evidence is currently insufficient to determine the role of this variant in disease. Therefore, it has been classified as a Variant of Uncertain Significance.

NM_006950.3(SYN1):c.13C>G (p.Arg5Gly)

Gene: SYN1 (synapsin I; minus strand). Cytogenetic location: Xp11.23.
Variant type: single nucleotide variant.
Coding change: c.13C>G on transcript NM_006950.3 (MANE Select); coding-DNA position 13, C replaced by G.
Protein change: p.Arg5Gly; replaces arginine 5 with glycine.
Molecular consequence: missense variant.
Genome position (GRCh38, 1-based): chrX:47,619,716, G>C on the plus strand (C>G on the coding strand, the complement: SYN1 is on the minus strand). VCF-style: chrX-47619716-G-C. GRCh37 (hg19) VCF-style: chrX-47479115-G-C.
Other names: c.13C>G, p.Arg5Gly (NM_133499.2); short protein forms R5G.
Identifiers: ClinVar variation 4716305 (VCV004716305.1).